The following is an entry in ClinVar:

ClinVar aggregate classification (germline): Uncertain significance. Review status: criteria provided, single submitter (1 of 4 stars). 2 submissions from 2 submitters: Uncertain significance (1). 1 of the submissions does not count toward it. Last evaluated 2025-03-26.

Conditions:
TRIO-related disorder. Also called: TRIO-related disorders; TRIO-related condition.
Inborn genetic diseases. Identifiers: MedGen C0950123, MeSH D030342.

Allele frequency attached by ClinVar (database versions not stated): gnomAD 0.00002; TOPMed 0.00002; ExAC 0.00003; gnomAD exomes 0.00003; ESP Exome Variant Server 0.00015.
gnomAD v4.1: 53 of 1,613,952 alleles (0.0033%); highest among the groups gnomAD compares: South Asian, 0.0099%; no homozygotes.

Submissions (2):

Ambry Genetics
Classification: Uncertain significance for Inborn genetic diseases. Last evaluated: 2025-03-26. Review status: criteria provided, single submitter. Criteria: Ambry Variant Classification Scheme 2023. Collection method: clinical testing. Allele origin: germline.

PreventionGenetics, part of Exact Sciences
Classification: Uncertain significance for TRIO-related condition. Last evaluated: 2023-12-26. Review status: no assertion criteria provided. Collection method: clinical testing. Allele origin: germline. Not counted in ClinVar's aggregate classification.
Comment: The TRIO c.6107A>G variant is predicted to result in the amino acid substitution p.Lys2036Arg. To our knowledge, this variant has not been reported in the literature. This variant is reported in 0.0065% of alleles in individuals of South Asian descent in gnomAD. At this time, the clinical significance of this variant is uncertain due to the absence of conclusive functional and genetic evidence.

NM_007118.4(TRIO):c.6107A>G (p.Lys2036Arg)

Gene: TRIO (trio Rho guanine nucleotide exchange factor; plus strand). Cytogenetic location: 5p15.2.
Variant type: single nucleotide variant.
Coding change: c.6107A>G on transcript NM_007118.4 (MANE Select); coding-DNA position 6107, A replaced by G.
Protein change: p.Lys2036Arg; replaces lysine 2036 with arginine.
Molecular consequence: missense variant. On other transcripts: non-coding transcript variant (1).
Genome position (GRCh38, 1-based): chr5:14,476,917, A>G. VCF-style: chr5-14476917-A-G. GRCh37 (hg19) VCF-style: chr5-14477026-A-G.
Other names: c.6107A>G (NM_007118.2); short protein forms K2036R.
Identifiers: ClinVar variation 3057897 (VCV003057897.3), dbSNP rs143747764, ClinGen allele CA3206978.
Genomic context (GRCh38, chr5:14,476,917, plus strand): 5'-CTGGAAATAGTTCTAATATTTTCTCCTTTCTTTCCAGCTTTTTTTTAGGAGAGTTAGAGA[A>G]GTGCCTTGAAGATCCAGAAAAACTAGGATCCCTTTTTGTTAAACACGTAAGCACAATAGC-3'
Protein context (NP_009049.2, residues 2026-2046): HRDFFLGELE[Lys2036Arg]CLEDPEKLGS